The following is an entry in ClinVar:

ClinVar aggregate classification (germline): Uncertain significance. Review status: criteria provided, multiple submitters, no conflicts (2 of 4 stars). 2 submissions from 2 submitters: Uncertain significance (2). Last evaluated 2025-08-18.

Conditions:
Inborn genetic diseases. Identifiers: MedGen C0950123, MeSH D030342.

gnomAD v4.1: 7 of 1,457,952 alleles (0.00048%); highest among the groups gnomAD compares: African/African-American, 0.0099%; no homozygotes.

Submissions (2):

Labcorp Genetics (formerly Invitae), Labcorp
Classification: Uncertain significance. Last evaluated: 2025-08-18. Review status: criteria provided, single submitter. Criteria: Invitae Variant Classification Sherloc (09022015). Collection method: clinical testing. Allele origin: germline.
Comment: This sequence change replaces glutamic acid, which is acidic and polar, with lysine, which is basic and polar, at codon 420 of the KMT2E protein (p.Glu420Lys). This variant is present in population databases (no rsID available, gnomAD 0.01%). This variant has not been reported in the literature in individuals affected with KMT2E-related conditions. ClinVar contains an entry for this variant (Variation ID: 3865152). Invitae Evidence Modeling of protein sequence and biophysical properties (such as structural, functional, and spatial information, amino acid conservation, physicochemical variation, residue mobility, and thermodynamic stability) indicates that this missense variant is not expected to disrupt KMT2E protein function with a negative predictive value of 80%. In summary, the available evidence is currently insufficient to determine the role of this variant in disease. Therefore, it has been classified as a Variant of Uncertain Significance.

Ambry Genetics
Classification: Uncertain significance for Inborn genetic diseases. Last evaluated: 2025-02-25. Review status: criteria provided, single submitter. Criteria: Ambry Variant Classification Scheme 2023. Collection method: clinical testing. Allele origin: germline.

NM_182931.3(KMT2E):c.1258G>A (p.Glu420Lys)

Gene: KMT2E (lysine methyltransferase 2E (inactive); plus strand). Cytogenetic location: 7q22.3.
Variant type: single nucleotide variant.
Coding change: c.1258G>A on transcript NM_182931.3 (MANE Select); coding-DNA position 1258, G replaced by A.
Protein change: p.Glu420Lys; replaces glutamic acid 420 with lysine.
Molecular consequence: missense variant.
Genome position (GRCh38, 1-based): chr7:105,081,697, G>A. VCF-style: chr7-105081697-G-A. GRCh37 (hg19) VCF-style: chr7-104722144-G-A.
Other names: c.1258G>A, p.Glu420Lys (NM_001410908.1, NM_018682.4); short protein forms E420K.
Identifiers: ClinVar variation 3865152 (VCV003865152.2).